The following is an entry in ClinVar:

NM_014727.3(KMT2B):c.2150C>T (p.Ala717Val)

Gene: KMT2B (lysine methyltransferase 2B; plus strand). Cytogenetic location: 19q13.12.
Variant type: single nucleotide variant.
Coding change: c.2150C>T on transcript NM_014727.3 (MANE Select); coding-DNA position 2150, C replaced by T.
Protein change: p.Ala717Val; replaces alanine 717 with valine.
Molecular consequence: missense variant.
Genome position (GRCh38, 1-based): chr19:35,721,497, C>T. VCF-style: chr19-35721497-C-T. GRCh37 (hg19) VCF-style: chr19-36212399-C-T.
Other names: short protein forms A717V.
Identifiers: ClinVar variation 2663153 (VCV002663153.1), dbSNP rs2513318248, ClinGen allele CA405396609.

ClinVar aggregate classification (germline): Uncertain significance (1 of 4 stars; one submission).

Submission:

GeneDx
Classification: Uncertain significance. Last evaluated: 2023-04-16. Review status: criteria provided, single submitter. Criteria: GeneDx Variant Classification Process June 2021. Collection method: clinical testing. Allele origin: germline. Affected: yes.
Comment: Not observed at significant frequency in large population cohorts (gnomAD); In silico analysis supports that this missense variant does not alter protein structure/function; Has not been previously published as pathogenic or benign to our knowledge